The following is an entry in ClinVar:

ClinVar aggregate classification (germline): Conflicting classifications of pathogenicity. Review status: criteria provided, conflicting classifications (1 of 4 stars). 3 submissions from 3 submitters: Uncertain significance (2); Likely benign (1). Last evaluated 2025-10-01.

Conditions:
Neuropathy, hereditary sensory, type 2C. Also called: KIF1A-Related HSAN2 (HSAN2C); Hereditary sensory and autonomic neuropathy type IIC. Identifiers: Orphanet 970, MedGen C3280168, MONDO:0013634, OMIM 614213.
Intellectual disability, autosomal dominant 9 (NESCAVS). Also called: NESCAV SYNDROME; KIF1A-Related Neurodevelopmental Disorder. Identifiers: Orphanet 662367, MedGen C5393830, MONDO:0013656, OMIM 614255.
Hereditary spastic paraplegia 30. Identifiers: Orphanet 101010, MedGen C5235139, MONDO:0012476.
Inborn genetic diseases. Identifiers: MedGen C0950123, MeSH D030342.

Allele frequency attached by ClinVar (database versions not stated): TOPMed 0.00001; gnomAD 0.00002; gnomAD exomes 0.00002 and 0.00006; ExAC 0.00005.
gnomAD v4.1: 83 of 1,602,576 alleles (0.0052%); highest among the groups gnomAD compares: Non-Finnish European, 0.0067%; no homozygotes.

Submissions (3):

Labcorp Genetics (formerly Invitae), Labcorp
Classification: Likely benign for Hereditary spastic paraplegia 30; Neuropathy, hereditary sensory, type 2C; Intellectual disability, autosomal dominant 9. Last evaluated: 2025-10-01. Review status: criteria provided, single submitter. Criteria: Invitae Variant Classification Sherloc (09022015). Collection method: clinical testing. Allele origin: germline.

GeneDx
Classification: Uncertain significance. Last evaluated: 2023-05-19. Review status: criteria provided, single submitter. Criteria: GeneDx Variant Classification Process June 2021. Collection method: clinical testing. Allele origin: germline. Affected: yes.
Comment: In silico analysis supports that this missense variant has a deleterious effect on protein structure/function; Has not been previously published as pathogenic or benign to our knowledge; This variant is associated with the following publications: (PMID: 32686686)

Ambry Genetics
Classification: Uncertain significance for Inborn genetic diseases. Last evaluated: 2018-01-26. Review status: criteria provided, single submitter. Criteria: Ambry Variant Classification Scheme 2023. Collection method: clinical testing. Allele origin: germline.
Comment: The p.S1506F variant (also known as c.4517C>T), located in coding exon 42 of the KIF1A gene, results from a C to T substitution at nucleotide position 4517. The serine at codon 1506 is replaced by phenylalanine, an amino acid with highly dissimilar properties. This amino acid position is highly conserved in available vertebrate species. In addition, the in silico prediction for this alteration is inconclusive. Since supporting evidence is limited at this time, the clinical significance of this alteration remains unclear.

NM_001244008.2(KIF1A):c.4820C>T (p.Ser1607Phe)

Gene: KIF1A (kinesin family member 1A; minus strand). Cytogenetic location: 2q37.3.
Variant type: single nucleotide variant.
Coding change: c.4820C>T on transcript NM_001244008.2 (MANE Select); coding-DNA position 4820, C replaced by T.
Protein change: p.Ser1607Phe; replaces serine 1607 with phenylalanine.
Molecular consequence: missense variant.
Genome position (GRCh38, 1-based): chr2:240,720,962, G>A on the plus strand (C>T on the coding strand, the complement: KIF1A is on the minus strand). VCF-style: chr2-240720962-G-A. GRCh37 (hg19) VCF-style: chr2-241660379-G-A.
Other names: c.4544C>T, p.Ser1515Phe (NM_001320705.2, NM_001379649.1); c.4571C>T, p.Ser1524Phe (NM_001330289.2); c.4619C>T, p.Ser1540Phe (NM_001330290.2, NM_001379648.1); c.4895C>T, p.Ser1632Phe (NM_001379631.1); c.4796C>T, p.Ser1599Phe (NM_001379632.1); c.4793C>T, p.Ser1598Phe (NM_001379633.1, NM_001379645.1); c.4646C>T, p.Ser1549Phe (NM_001379634.1); c.4643C>T, p.Ser1548Phe (NM_001379635.1, NM_001379646.1); and 7 more; short protein forms S1540F, S1607F, S1506F, S1515F, S1524F, S1505F, S1514F, S1523F.
Identifiers: ClinVar variation 656078 (VCV000656078.14), dbSNP rs768366163, ClinGen allele CA2207290.
Genomic context (GRCh38, chr2:240,720,962, plus strand): 5'-GAGCTCACTCACCTCAGGTCAGTGGCACCGTACCGCCCTTCAACCAGAGAGGGGCAAGTG[G>A]AGGAGGGGGTGAGAGTGGCCACCCCTAGAGGGGACATCGACGGGTCCCGGAGCAGGGTGA-3'
Protein context (NP_001230937.1, residues 1597-1617): PLGVATLTPS[Ser1607Phe]TCPSLVEGRY